The following is an entry in ClinVar:

NM_001197104.2(KMT2A):c.6698C>T (p.Thr2233Ile)

Gene: KMT2A (lysine methyltransferase 2A; plus strand). Cytogenetic location: 11q23.3.
Variant type: single nucleotide variant.
Coding change: c.6698C>T on transcript NM_001197104.2 (MANE Select); coding-DNA position 6698, C replaced by T.
Protein change: p.Thr2233Ile; replaces threonine 2233 with isoleucine.
Molecular consequence: missense variant.
Genome position (GRCh38, 1-based): chr11:118,502,590, C>T. VCF-style: chr11-118502590-C-T. GRCh37 (hg19) VCF-style: chr11-118373305-C-T.
Other names: c.6689C>T, p.Thr2230Ile (NM_005933.4); short protein forms T2233I, T2230I.
Identifiers: ClinVar variation 736074 (VCV000736074.33), dbSNP rs144271443, ClinGen allele CA6304299.

ClinVar aggregate classification (germline): Benign/Likely benign. Review status: criteria provided, multiple submitters, no conflicts (2 of 4 stars). 5 submissions from 5 submitters: Benign (4); Likely benign (1). Last evaluated 2024-11-15.

Conditions:
Inborn genetic diseases. Identifiers: MedGen C0950123, MeSH D030342.

Allele frequency attached by ClinVar (database versions not stated): gnomAD exomes 0.00048; ExAC 0.00054; 1000 Genomes Project 30x 0.00141; 1000 Genomes Project 0.00160; gnomAD 0.00186 and 0.00206; ESP Exome Variant Server 0.00200; TOPMed 0.00223.
gnomAD v4.1: 581 of 1,614,176 alleles (0.036%); highest among the groups gnomAD compares: African/African-American, 0.69%; 4 homozygotes.

Submissions (5):

Blueprint Genetics
Classification: Likely benign. Last evaluated: 2024-11-15. Review status: criteria provided, single submitter. Criteria: ACMG Guidelines, 2015. Collection method: clinical testing. Allele origin: germline.

CeGaT Center for Human Genetics Tuebingen
Classification: Benign. Last evaluated: 2022-03-01. Review status: criteria provided, single submitter. Criteria: CeGaT Center For Human Genetics Tuebingen Variant Classification Criteria Version 2. Collection method: clinical testing. Allele origin: germline. Affected: yes. Observed: 1 variant allele.
Comment: KMT2A: BS1, BS2

Ambry Genetics
Classification: Benign for Inborn genetic diseases. Last evaluated: 2021-12-07. Review status: criteria provided, single submitter. Criteria: Ambry Variant Classification Scheme 2023. Collection method: clinical testing. Allele origin: germline.

GeneDx
Classification: Benign. Last evaluated: 2020-02-23. Review status: criteria provided, single submitter. Criteria: GeneDx Variant Classification Process June 2021. Collection method: clinical testing. Allele origin: germline. Affected: yes.

Labcorp Genetics (formerly Invitae), Labcorp
Classification: Benign. Last evaluated: 2019-12-31. Review status: criteria provided, single submitter. Criteria: Invitae Variant Classification Sherloc (09022015). Collection method: clinical testing. Allele origin: germline.